The following is an entry in ClinVar:

ClinVar aggregate classification (germline): Conflicting classifications of pathogenicity. Review status: criteria provided, conflicting classifications (1 of 4 stars). 2 submissions from 2 submitters: Uncertain significance (1); Likely benign (1). Last evaluated 2025-09-15.

Conditions:
GIGYF2-related disorder. Also called: GIGYF2-related condition.

Allele frequency attached by ClinVar (database versions not stated): ExAC 0.00078; TOPMed 0.00108; gnomAD 0.00119; ESP Exome Variant Server 0.00123; gnomAD exomes 0.00173.
gnomAD v4.1: 2,753 of 1,613,300 alleles (0.17%); highest among the groups gnomAD compares: Non-Finnish European, 0.21%; 3 homozygotes.

Submissions (2):

PreventionGenetics, part of Exact Sciences
Classification: Likely benign for GIGYF2-related condition. Last evaluated: 2025-09-15. Review status: criteria provided, single submitter. Criteria: ACMG Guidelines, 2015. Collection method: clinical testing. Allele origin: germline.
Comment: This variant is classified as likely benign based on ACMG/AMP sequence variant interpretation guidelines (Richards et al. 2015 PMID: 25741868, with internal and published modifications).

Mayo Clinic Laboratories, Mayo Clinic
Classification: Uncertain significance. Last evaluated: 2023-03-17. Review status: criteria provided, single submitter. Criteria: ACMG Guidelines, 2015. Collection method: clinical testing. Allele origin: germline. Observed: 1 variant allele.
Comment: BS2

Literature cited by the submitters: PubMed 19321232 (cited by Mayo Clinic Laboratories, Mayo Clinic); PubMed 25174650 (cited by Mayo Clinic Laboratories, Mayo Clinic); PubMed 26836416 (cited by Mayo Clinic Laboratories, Mayo Clinic).

NM_001103146.3(GIGYF2):c.3104C>G (p.Ser1035Cys)

Gene: GIGYF2 (GRB10 interacting GYF protein 2; plus strand). Cytogenetic location: 2q37.1.
Variant type: single nucleotide variant.
Coding change: c.3104C>G on transcript NM_001103146.3 (MANE Select); coding-DNA position 3104, C replaced by G.
Protein change: p.Ser1035Cys; replaces serine 1035 with cysteine.
Molecular consequence: missense variant. On other transcripts: non-coding transcript variant (1).
Genome position (GRCh38, 1-based): chr2:232,844,373, C>G. VCF-style: chr2-232844373-C-G. GRCh37 (hg19) VCF-style: chr2-233709083-C-G.
Other names: p.Ser1035Cys; c.3104C>G (NM_001103146.1); c.3167C>G, p.Ser1056Cys (NM_001103147.2); c.3086C>G, p.Ser1029Cys (NM_001103148.2); c.3104C>G, p.Ser1035Cys (NM_015575.4); short protein forms S1029C, S1035C, S1056C.
Identifiers: ClinVar variation 2682819 (VCV002682819.2), dbSNP rs144086186, ClinGen allele CA2170784.